The following is an entry in ClinVar:

NM_201596.3(CACNB2):c.670+245T>G

Gene: CACNB2 (calcium voltage-gated channel auxiliary subunit beta 2; plus strand). Cytogenetic location: 10p12.31.
Variant type: single nucleotide variant.
Coding change: c.670+245T>G on transcript NM_201596.3 (MANE Select); 245 bases into the intron after coding-DNA position 670, T replaced by G.
Molecular consequence: intron variant.
Genome position (GRCh38, 1-based): chr10:18,506,792, T>G. VCF-style: chr10-18506792-T-G. GRCh37 (hg19) VCF-style: chr10-18795721-T-G.
Other names: NC_000010.10:g.18795721T>G; c.586+245T>G (NM_201571.4, NM_001167945.2, NM_201572.4); c.670+245T>G (NM_201593.3, NM_201597.3); c.505+245T>G (NM_000724.4, NM_001330060.2); c.508+245T>G (NM_201590.3); c.526+245T>G (NM_201570.3).
Identifiers: ClinVar variation 677958 (VCV000677958.3), dbSNP rs10741089, ClinGen allele CA13260805.

ClinVar aggregate classification (germline): Benign. Review status: criteria provided, multiple submitters, no conflicts (2 of 4 stars). 2 submissions from 2 submitters: Benign (2). Last evaluated 2018-06-19.

Allele frequency attached by ClinVar (database versions not stated): 1000 Genomes Project 30x 0.44894; TOPMed 0.45710; gnomAD 0.45837 and 0.45265; 1000 Genomes Project 0.44569.
gnomAD v4.1: 68,903 of 151,910 alleles (45%); highest among the groups gnomAD compares: East Asian, 52%; 15,791 homozygotes.

Submissions (12):

GeneDx
Classification: Benign. Last evaluated: 2018-06-19. Review status: criteria provided, single submitter. Criteria: GeneDx Variant Classification (06012015). Collection method: clinical testing. Allele origin: germline. Affected: yes.
Comment: This variant is considered likely benign or benign based on one or more of the following criteria: it is a conservative change, it occurs at a poorly conserved position in the protein, it is predicted to be benign by multiple in silico algorithms, and/or has population frequency not consistent with disease.

Breakthrough Genomics
Classification: Benign. Review status: criteria provided, single submitter. Criteria: ACMG Guidelines, 2015. Collection method: not provided. Allele origin: germline. Inheritance: Autosomal dominant inheritance. Affected: yes.

Dr. Peter K. Rogan Lab, Western University
No classification provided (evidence only). Condition: Uterine corpus endometrial carcinoma. Review status: no classification provided. Collection method: in vitro. Allele origin: not applicable. Functional consequence: retained intron. Not counted in ClinVar's aggregate classification.

Dr. Peter K. Rogan Lab, Western University
No classification provided (evidence only). Condition: Uterine corpus endometrial carcinoma. Review status: no classification provided. Collection method: in vitro. Allele origin: not applicable. Functional consequence: retained intron. Not counted in ClinVar's aggregate classification.

Dr. Peter K. Rogan Lab, Western University
No classification provided (evidence only). Condition: Sarcoma. Review status: no classification provided. Collection method: in vitro. Allele origin: not applicable. Functional consequence: retained intron. Not counted in ClinVar's aggregate classification.

Dr. Peter K. Rogan Lab, Western University
No classification provided (evidence only). Condition: Sarcoma. Review status: no classification provided. Collection method: in vitro. Allele origin: not applicable. Functional consequence: retained intron. Not counted in ClinVar's aggregate classification.

Dr. Peter K. Rogan Lab, Western University
No classification provided (evidence only). Condition: Sarcoma. Review status: no classification provided. Collection method: in vitro. Allele origin: not applicable. Functional consequence: retained intron. Not counted in ClinVar's aggregate classification.

Dr. Peter K. Rogan Lab, Western University
No classification provided (evidence only). Condition: Thymoma. Review status: no classification provided. Collection method: in vitro. Allele origin: not applicable. Functional consequence: retained intron. Not counted in ClinVar's aggregate classification.

Dr. Peter K. Rogan Lab, Western University
No classification provided (evidence only). Condition: Thymoma. Review status: no classification provided. Collection method: in vitro. Allele origin: not applicable. Functional consequence: retained intron. Not counted in ClinVar's aggregate classification.

Dr. Peter K. Rogan Lab, Western University
No classification provided (evidence only). Condition: Thymoma. Review status: no classification provided. Collection method: in vitro. Allele origin: not applicable. Functional consequence: retained intron. Not counted in ClinVar's aggregate classification.

Dr. Peter K. Rogan Lab, Western University
No classification provided (evidence only). Condition: Cholangiocarcinoma. Review status: no classification provided. Collection method: in vitro. Allele origin: not applicable. Functional consequence: retained intron. Not counted in ClinVar's aggregate classification.

Dr. Peter K. Rogan Lab, Western University
No classification provided (evidence only). Condition: Malignant tumor of esophagus. Review status: no classification provided. Collection method: in vitro. Allele origin: not applicable. Functional consequence: retained intron. Not counted in ClinVar's aggregate classification.